The following is an entry in ClinVar:

NM_004795.4(KL):c.832G>C (p.Val278Leu)

Gene: KL (klotho; plus strand). Cytogenetic location: 13q13.1.
Variant type: single nucleotide variant.
Coding change: c.832G>C on transcript NM_004795.4 (MANE Select); coding-DNA position 832, G replaced by C.
Protein change: p.Val278Leu; replaces valine 278 with leucine.
Molecular consequence: missense variant.
Genome position (GRCh38, 1-based): chr13:33,053,779, G>C. VCF-style: chr13-33053779-G-C. GRCh37 (hg19) VCF-style: chr13-33627916-G-C.
Other names: short protein forms V278L.
Identifiers: ClinVar variation 2133813 (VCV002133813.4), dbSNP rs2501772443, ClinGen allele CA387789773.

ClinVar aggregate classification (germline): Uncertain significance (1 of 4 stars; one submission).

Submission:

Labcorp Genetics (formerly Invitae), Labcorp
Classification: Uncertain significance. Last evaluated: 2022-05-04. Review status: criteria provided, single submitter. Criteria: Invitae Variant Classification Sherloc (09022015). Collection method: clinical testing. Allele origin: germline.
Comment: In summary, the available evidence is currently insufficient to determine the role of this variant in disease. Therefore, it has been classified as a Variant of Uncertain Significance. Algorithms developed to predict the effect of missense changes on protein structure and function (SIFT, PolyPhen-2, Align-GVGD) all suggest that this variant is likely to be tolerated. This variant has not been reported in the literature in individuals affected with KL-related conditions. This variant is not present in population databases (gnomAD no frequency). This sequence change replaces valine, which is neutral and non-polar, with leucine, which is neutral and non-polar, at codon 278 of the KL protein (p.Val278Leu).